The following is an entry in ClinVar:

NM_006904.7(PRKDC):c.10178AGG[2] (p.Glu3395del)

Gene: PRKDC (protein kinase, DNA-activated, catalytic subunit; minus strand). Cytogenetic location: 8q11.21.
Variant type: Microsatellite.
Coding change: c.10178AGG[2] on transcript NM_006904.7 (MANE Select); two copies in a row of the 3-base unit AGG starting at c.10178; the reference has three copies in a row; one copy, 3 bases deleted.
Protein change: p.Glu3395del; deletes glutamic acid 3395.
Molecular consequence: inframe deletion.
Genome position (GRCh38, 1-based): chr8:47,799,321-47,799,323, CCT deleted on the plus strand (AGG on the coding strand, the reverse complement: PRKDC is on the minus strand); deleting any 3 consecutive bases within chr8:47,799,321-47,799,330 gives the same sequence; the position shown is the placement nearest the transcript's 3' end. VCF-style (leftmost placement, unchanged base first): chr8-47799320-GCCT-G. GRCh37 (hg19) VCF-style: chr8-48711881-GCCT-G.
Other names: c.10178AGG[2], p.Glu3395del (NM_001081640.2); c.10184_10186delAGG (NM_006904.6); short protein forms E3395del.
Identifiers: ClinVar variation 583406 (VCV000583406.4), dbSNP rs1563740493, ClinGen allele CA891843049.
Genomic context (GRCh38, chr8:47,799,320, plus strand): 5'-AGCGTCATGTAAGCATCAATCACCCCAGCTGCAGGCCCACAGCTCCAGGAGGGAGGCTGG[GCCT>G]CCTCCTCAGCCGCCTGCACAGCCTCAGAGAGGTGCTGGAATGCTCTCTGGTACAGACCCG-3'

ClinVar aggregate classification (germline): Uncertain significance (1 of 4 stars; one submission).

Conditions:
Severe combined immunodeficiency due to DNA-PKcs deficiency. Also called: IMMUNODEFICIENCY 26 WITH NEUROLOGIC ABNORMALITIES; Immunodeficiency 26 with or without neurologic abnormalities. Identifiers: Orphanet 317425, MedGen C4014833, MONDO:0014423, OMIM 615966.

Submission:

Labcorp Genetics (formerly Invitae), Labcorp
Classification: Uncertain significance for Severe combined immunodeficiency due to DNA-PKcs deficiency. Last evaluated: 2018-04-25. Review status: criteria provided, single submitter. Criteria: Invitae Variant Classification Sherloc (09022015). Collection method: clinical testing. Allele origin: germline.
Comment: This variant, c.10184_10186delAGG, results in the deletion of 1 amino acid of the PRKDC protein (p.Glu3395del), but otherwise preserves the integrity of the reading frame. In summary, the available evidence is currently insufficient to determine the role of this variant in disease. Therefore, it has been classified as a Variant of Uncertain Significance. Experimental studies and prediction algorithms are not available for this variant, and the functional significance of the deleted amino acid is currently unknown. This variant has not been reported in the literature in individuals with PRKDC-related disease. This variant is not present in population databases (ExAC no frequency).